The following is an entry in ClinVar:

ClinVar aggregate classification (germline): Likely pathogenic (1 of 4 stars; one submission).

Conditions:
Torsion dystonia 6 (DYT6). Also called: DYT-THAP1. Identifiers: Orphanet 98806, MedGen C1414216, MONDO:0011264, OMIM 602629.

Submission:

Centre for Mendelian Genomics, University Medical Centre Ljubljana
Classification: Likely pathogenic for Torsion dystonia 6. Last evaluated: 2020-03-09. Review status: criteria provided, single submitter. Criteria: ACMG Guidelines, 2015. Collection method: clinical testing. Allele origin: unknown. Affected: yes.
Comment: This variant was classified as: Likely pathogenic. The following ACMG criteria were applied in classifying this variant: PVS1,PM2.

NM_018105.3(THAP1):c.387_399del (p.Ser130fs)

Gene: THAP1 (THAP domain containing 1; minus strand). Cytogenetic location: 8p11.21.
Variant type: Deletion.
Coding change: c.387_399del on transcript NM_018105.3 (MANE Select); coding-DNA positions 387 to 399, 13 bases deleted (CTCAGTTTTCTGT).
Protein change: p.Ser130fs; shifts the reading frame from serine 130.
Molecular consequence: frameshift variant. On other transcripts: 3 prime UTR variant (1).
Genome position (GRCh38, 1-based): chr8:42,838,205-42,838,217, ACAGAAAACTGAG deleted on the plus strand (CTCAGTTTTCTGT on the coding strand, the reverse complement: THAP1 is on the minus strand); deleting any 13 consecutive bases within chr8:42,838,205-42,838,218 gives the same sequence; the c. name uses the placement nearest the transcript's 3' end. VCF-style (leftmost placement, unchanged base first): chr8-42838204-CACAGAAAACTGAG-C. GRCh37 (hg19) VCF-style: chr8-42693347-CACAGAAAACTGAG-C.
Other names: c.*29_*41del (NM_199003.2); short protein forms S130fs.
Identifiers: ClinVar variation 931879 (VCV000931879.3), dbSNP rs1802650847, ClinGen allele CA1139660492.